The following is an entry in ClinVar:

NM_001100.4(ACTA1):c.593G>A (p.Arg198His)

Gene: ACTA1 (actin alpha 1, skeletal muscle; minus strand). Cytogenetic location: 1q42.13.
Variant type: single nucleotide variant.
Coding change: c.593G>A on transcript NM_001100.4 (MANE Select); coding-DNA position 593, G replaced by A.
Protein change: p.Arg198His; replaces arginine 198 with histidine.
Molecular consequence: missense variant.
Genome position (GRCh38, 1-based): chr1:229,432,293, C>T on the plus strand (G>A on the coding strand, the complement: ACTA1 is on the minus strand). VCF-style: chr1-229432293-C-T. GRCh37 (hg19) VCF-style: chr1-229568040-C-T.
Other names: short protein forms R198H.
Identifiers: ClinVar variation 2501790 (VCV002501790.2), dbSNP rs2527437739, ClinGen allele CA345147895.

ClinVar aggregate classification (germline): Pathogenic/Likely pathogenic. Review status: criteria provided, multiple submitters, no conflicts (2 of 4 stars). 2 submissions from 2 submitters: Pathogenic (1); Likely pathogenic (1). Last evaluated 2025-08-31.

Conditions:
Actin accumulation myopathy (CMYO2A). Also called: Nemaline myopathy 3, with intranuclear rods; CONGENITAL MYOPATHY 2A, TYPICAL, AUTOSOMAL DOMINANT; Myopathy, actin, congenital, with cores; Nemaline myopathy type 3; Myopathy, actin, congenital, with excess of thin myofilaments. Identifiers: Orphanet 98904, MedGen C3711389, MONDO:0008070, OMIM 161800.
Congenital myopathy 2c, severe infantile, autosomal dominant (CMYO2C). Identifiers: MedGen C5830333, MONDO:0859523, OMIM 620278.

Submissions (2):

Labcorp Genetics (formerly Invitae), Labcorp
Classification: Likely pathogenic for Actin accumulation myopathy. Last evaluated: 2025-08-31. Review status: criteria provided, single submitter. Criteria: Invitae Variant Classification Sherloc (09022015). Collection method: clinical testing. Allele origin: germline.
Comment: This sequence change replaces arginine, which is basic and polar, with histidine, which is basic and polar, at codon 198 of the ACTA1 protein (p.Arg198His). This variant is not present in population databases (gnomAD no frequency). This missense change has been observed in individual(s) with autosomal dominant ACTA1-related conditions (PMID: 19562689, 34106991). In at least one individual the variant was observed to be de novo. ClinVar contains an entry for this variant (Variation ID: 2501790). Invitae Evidence Modeling of protein sequence and biophysical properties (such as structural, functional, and spatial information, amino acid conservation, physicochemical variation, residue mobility, and thermodynamic stability) indicates that this missense variant is not expected to disrupt ACTA1 protein function with a negative predictive value of 80%. This variant disrupts the p.Arg198 amino acid residue in ACTA1. Other variant(s) that disrupt this residue have been determined to be pathogenic (PMID: 19562689, 35810298). This suggests that this residue is clinically significant, and that variants that disrupt this residue are likely to be disease-causing. In summary, the currently available evidence indicates that the variant is pathogenic, but additional data are needed to prove that conclusively. Therefore, this variant has been classified as Likely Pathogenic.

Genomic Medicine Center of Excellence, King Faisal Specialist Hospital and Research Centre
Classification: Pathogenic for Congenital myopathy 2c, severe infantile, autosomal dominant. Last evaluated: 2023-05-08. Review status: criteria provided, single submitter. Criteria: ACMG Guidelines, 2015. Collection method: research. Allele origin: germline. Affected: yes.

Literature cited by the submitters: PubMed 19562689 (cited by Labcorp Genetics (formerly Invitae), Labcorp); PubMed 34106991 (cited by Labcorp Genetics (formerly Invitae), Labcorp); PubMed 35810298 (cited by Labcorp Genetics (formerly Invitae), Labcorp).